The following is an entry in ClinVar:

ClinVar aggregate classification (germline): Uncertain significance. Review status: criteria provided, single submitter (1 of 4 stars). 2 submissions from 2 submitters: Uncertain significance (1). 1 of the submissions does not count toward it. Last evaluated 2022-04-08.

Conditions:
Neuronal ceroid lipofuscinosis. Also called: Neuronal Ceroid Lipofuscinoses. Identifiers: Orphanet 216, Orphanet 79263, MedGen C0027877, MONDO:0016295. Disease mechanism: loss of function.
Neuronal ceroid lipofuscinosis 5 (CLN5). Also called: CEROID LIPOFUSCINOSIS, NEURONAL, 5, VARIABLE AGE AT ONSET; Neuronal ceroid lipofuscinosis Finnish variant; NEURONAL CEROID LIPOFUSCINOSIS, LATE INFANTILE, FINNISH VARIANT; CLN5-Related Neuronal Ceroid-Lipofuscinosis. Identifiers: Orphanet 168491, Orphanet 228360, MedGen C1850442, MONDO:0009745, OMIM 256731.

Allele frequency attached by ClinVar (database versions not stated): gnomAD exomes below 0.00001; ExAC 0.00001.

Submissions (2):

Labcorp Genetics (formerly Invitae), Labcorp
Classification: Uncertain significance for Neuronal ceroid lipofuscinosis. Last evaluated: 2022-04-08. Review status: criteria provided, single submitter. Criteria: Invitae Variant Classification Sherloc (09022015). Collection method: clinical testing. Allele origin: germline.
Comment: This sequence change replaces serine, which is neutral and polar, with asparagine, which is neutral and polar, at codon 312 of the CLN5 protein (p.Ser312Asn). This variant is present in population databases (rs730882146, gnomAD 0.0009%). This variant has not been reported in the literature in individuals affected with CLN5-related conditions. ClinVar contains an entry for this variant (Variation ID: 183049). Algorithms developed to predict the effect of missense changes on protein structure and function (SIFT, PolyPhen-2, Align-GVGD) all suggest that this variant is likely to be disruptive. Experimental studies have shown that this missense change affects CLN5 function (PMID: 25359263). In summary, the available evidence is currently insufficient to determine the role of this variant in disease. Therefore, it has been classified as a Variant of Uncertain Significance.

OMIM
Classification: Pathogenic for CEROID LIPOFUSCINOSIS, NEURONAL, 5. Last evaluated: 2015-01-01. Review status: no assertion criteria provided. Collection method: literature only. Allele origin: germline. Not counted in ClinVar's aggregate classification.

Literature cited by the submitters: PubMed 25359263 (cited by Labcorp Genetics (formerly Invitae), Labcorp and OMIM).

NM_006493.4(CLN5):c.788G>A (p.Ser263Asn)

Gene: CLN5 (CLN5 lysosomal BMP synthase; plus strand). Cytogenetic location: 13q22.3.
Variant type: single nucleotide variant.
Coding change: c.788G>A on transcript NM_006493.4 (MANE Select); coding-DNA position 788, G replaced by A.
Protein change: p.Ser263Asn; replaces serine 263 with asparagine.
Molecular consequence: missense variant. On other transcripts: 3 prime UTR variant (1).
Genome position (GRCh38, 1-based): chr13:77,000,680, G>A. VCF-style: chr13-77000680-G-A. GRCh37 (hg19) VCF-style: chr13-77574815-G-A.
Other names: S312N; c.935G>A (LRG_692t1); c.*237G>A (NM_001366624.2); short protein forms S263N.
Identifiers: ClinVar variation 183049 (VCV000183049.3), dbSNP rs730882146, ClinGen allele CA273763.